The following is an entry in ClinVar:

ClinVar aggregate classification (germline): Uncertain significance (1 of 4 stars; one submission).

Allele frequency attached by ClinVar (database versions not stated): TOPMed below 0.00001; gnomAD 0.00001; gnomAD exomes 0.00001.
gnomAD v4.1: 11 of 1,614,048 alleles (0.00068%); highest among the groups gnomAD compares: Admixed American, 0.0017%; no homozygotes.

Submission:

Labcorp Genetics (formerly Invitae), Labcorp
Classification: Uncertain significance. Last evaluated: 2022-07-07. Review status: criteria provided, single submitter. Criteria: Invitae Variant Classification Sherloc (09022015). Collection method: clinical testing. Allele origin: germline.
Comment: This sequence change replaces alanine, which is neutral and non-polar, with threonine, which is neutral and polar, at codon 549 of the LCT protein (p.Ala549Thr). The frequency data for this variant in the population databases is considered unreliable, as metrics indicate poor data quality at this position in the gnomAD database. This variant has not been reported in the literature in individuals affected with LCT-related conditions. Algorithms developed to predict the effect of missense changes on protein structure and function are either unavailable or do not agree on the potential impact of this missense change (SIFT: "Not Available"; PolyPhen-2: "Probably Damaging"; Align-GVGD: "Not Available"). In summary, the available evidence is currently insufficient to determine the role of this variant in disease. Therefore, it has been classified as a Variant of Uncertain Significance.

NM_002299.4(LCT):c.1645G>A (p.Ala549Thr)

Genes: LCT (lactase; minus strand), LOC126806353 (BRD4-independent group 4 enhancer GRCh37_chr2:136574960-136576159; plus strand). Cytogenetic location: 2q21.3.
Variant type: single nucleotide variant.
Coding change: c.1645G>A on transcript NM_002299.4 (MANE Select); coding-DNA position 1645, G replaced by A.
Protein change: p.Ala549Thr; replaces alanine 549 with threonine.
Molecular consequence: missense variant.
Genome position (GRCh38, 1-based): chr2:135,817,403, C>T on the plus strand (G>A on the coding strand, the complement: LCT is on the minus strand). VCF-style: chr2-135817403-C-T. GRCh37 (hg19) VCF-style: chr2-136574973-C-T.
Other names: short protein forms A549T.
Identifiers: ClinVar variation 1963118 (VCV001963118.2), dbSNP rs1206847512, ClinGen allele CA348605698.